The following is an entry in ClinVar:

ClinVar aggregate classification (germline): Uncertain significance. Review status: criteria provided, multiple submitters, no conflicts (2 of 4 stars). 2 submissions from 2 submitters: Uncertain significance (2). Last evaluated 2025-10-18.

Allele frequency attached by ClinVar (database versions not stated): gnomAD exomes below 0.00001.
gnomAD v4.1: 3 of 1,536,112 alleles (0.0002%); highest among the groups gnomAD compares: Non-Finnish European, 0.00026%; no homozygotes.

Submissions (2):

Ambry Genetics
Classification: Uncertain significance. Last evaluated: 2025-10-18. Review status: criteria provided, single submitter. Criteria: Ambry Variant Classification Scheme 2023. Collection method: clinical testing. Allele origin: germline.

Labcorp Genetics (formerly Invitae), Labcorp
Classification: Uncertain significance. Last evaluated: 2022-09-12. Review status: criteria provided, single submitter. Criteria: Invitae Variant Classification Sherloc (09022015). Collection method: clinical testing. Allele origin: germline.
Comment: In summary, the available evidence is currently insufficient to determine the role of this variant in disease. Therefore, it has been classified as a Variant of Uncertain Significance. Algorithms developed to predict the effect of missense changes on protein structure and function are either unavailable or do not agree on the potential impact of this missense change (SIFT: "Deleterious"; PolyPhen-2: "Not Available"; Align-GVGD: "Class C0"). This variant has not been reported in the literature in individuals affected with CARD8-related conditions. This variant is not present in population databases (gnomAD no frequency). This sequence change replaces cysteine, which is neutral and slightly polar, with tyrosine, which is neutral and polar, at codon 6 of the CARD8 protein (p.Cys6Tyr).

NM_001184900.3(CARD8):c.17G>A (p.Cys6Tyr)

Gene: CARD8 (caspase recruitment domain family member 8; minus strand). Cytogenetic location: 19q13.33.
Variant type: single nucleotide variant.
Coding change: c.17G>A on transcript NM_001184900.3 (MANE Select); coding-DNA position 17, G replaced by A.
Protein change: p.Cys6Tyr; replaces cysteine 6 with tyrosine.
Molecular consequence: missense variant. On other transcripts: 5 prime UTR variant (7), non-coding transcript variant (4).
Genome position (GRCh38, 1-based): chr19:48,241,004, C>T on the plus strand (G>A on the coding strand, the complement: CARD8 is on the minus strand). VCF-style: chr19-48241004-C-T. GRCh37 (hg19) VCF-style: chr19-48744261-C-T.
Other names: c.17G>A, p.Cys6Tyr (NM_001184901.1, NM_001184902.2, NM_001184903.1 and 6 more transcripts); c.-108G>A (NM_001351784.2, NM_001351787.2, NM_001351791.2 and 2 more transcripts); c.-322G>A (NM_001351786.2); c.-186G>A (NM_001351790.2); c.17G>A (NM_001184900.1); short protein forms C6Y.
Identifiers: ClinVar variation 1921360 (VCV001921360.6), dbSNP rs2044922903, ClinGen allele CA406648635.